The following is an entry in ClinVar:

NM_020070.4(IGLL1):c.157G>T (p.Gly53Ter)

Gene: IGLL1 (immunoglobulin lambda like polypeptide 1; minus strand). Cytogenetic location: 22q11.23.
Variant type: single nucleotide variant.
Coding change: c.157G>T on transcript NM_020070.4 (MANE Select); coding-DNA position 157, G replaced by T.
Protein change: p.Gly53Ter; replaces glycine 53 with a stop codon.
Molecular consequence: nonsense.
Genome position (GRCh38, 1-based): chr22:23,580,034, C>A on the plus strand (G>T on the coding strand, the complement: IGLL1 is on the minus strand). VCF-style: chr22-23580034-C-A. GRCh37 (hg19) VCF-style: chr22-23922221-C-A.
Other names: c.157G>T, p.Gly53Ter (NM_001369906.1, NM_152855.3); short protein forms G53*.
Identifiers: ClinVar variation 1297738 (VCV001297738.7), dbSNP rs1256867431, ClinGen allele CA410899377.

ClinVar aggregate classification (germline): Uncertain significance. Review status: criteria provided, multiple submitters, no conflicts (2 of 4 stars). 4 submissions from 4 submitters: Uncertain significance (2). 2 of the submissions do not count toward it. Last evaluated 2024-09-05.

Conditions:
Agammaglobulinemia 2, autosomal recessive (AGM2). Also called: AGAMMAGLOBULINEMIA, AUTOSOMAL RECESSIVE, DUE TO IGLL1 DEFECT. Identifiers: MedGen C3150750, MONDO:0013287, OMIM 613500.

Allele frequency attached by ClinVar (database versions not stated): gnomAD exomes 0.00001.
gnomAD v4.1: 20 of 1,577,426 alleles (0.0013%); highest among the groups gnomAD compares: Non-Finnish European, 0.0017%; no homozygotes.

Submissions (4):

Blueprint Genetics
Classification: Uncertain significance. Last evaluated: 2024-09-05. Review status: criteria provided, single submitter. Criteria: ACMG Guidelines, 2015. Collection method: clinical testing. Allele origin: germline.

Labcorp Genetics (formerly Invitae), Labcorp
Classification: Uncertain significance for Agammaglobulinemia 2, autosomal recessive. Last evaluated: 2023-09-06. Review status: criteria provided, single submitter. Criteria: Invitae Variant Classification Sherloc (09022015). Collection method: clinical testing. Allele origin: germline.
Comment: This sequence change creates a premature translational stop signal (p.Gly53*) in the IGLL1 gene. It is expected to result in an absent or disrupted protein product. However, the current clinical and genetic evidence is not sufficient to establish whether loss-of-function variants in IGLL1 cause disease. This variant is not present in population databases (gnomAD no frequency). This variant has not been reported in the literature in individuals affected with IGLL1-related conditions. ClinVar contains an entry for this variant (Variation ID: 1297738). In summary, the available evidence is currently insufficient to determine the role of this variant in disease. Therefore, it has been classified as a Variant of Uncertain Significance.

Clinical Genetics DNA and cytogenetics Diagnostics Lab, Erasmus MC, Erasmus Medical Center
Classification: Pathogenic. Review status: no assertion criteria provided. Collection method: clinical testing. Allele origin: germline. Affected: yes. Study: VKGL Data-share Consensus. Not counted in ClinVar's aggregate classification.

Joint Genome Diagnostic Labs from Nijmegen and Maastricht, Radboudumc and MUMC+
Classification: Pathogenic. Review status: no assertion criteria provided. Collection method: clinical testing. Allele origin: germline. Affected: yes. Study: VKGL Data-share Consensus. Not counted in ClinVar's aggregate classification.